The following is an entry in ClinVar:

NM_022575.4(VPS16):c.633G>A (p.Thr211=)

Gene: VPS16 (VPS16 core subunit of CORVET and HOPS complexes; plus strand). Cytogenetic location: 20p13.
Variant type: single nucleotide variant.
Coding change: c.633G>A on transcript NM_022575.4 (MANE Select); coding-DNA position 633, G replaced by A.
Protein change: p.Thr211=; no amino-acid change (threonine 211 retained).
Molecular consequence: synonymous variant.
Genome position (GRCh38, 1-based): chr20:2,860,972, G>A. VCF-style: chr20-2860972-G-A. GRCh37 (hg19) VCF-style: chr20-2841618-G-A.
Other names: c.633G>A, p.Thr211= (NM_080413.3).
Identifiers: ClinVar variation 3250639 (VCV003250639.18), dbSNP rs369717437.
Genomic context (GRCh38, chr20:2,860,972, plus strand): 5'-GGGAGGTTCTGAAAAGTCAGTATGTATCTGTCCCACCCCTACCCTGGCTCTGCCTCAGAC[G>A]CCCCCTGGCCTGGCCCCAGGAGTAAGCAGCTTCCTACAGATGGCTGTCTCCTTCACCTAC-3'
Protein context (NP_072097.2, residues 201-221): LLDHAACSAV[Thr211=]PPGLAPGVSS

ClinVar aggregate classification (germline): Likely benign (1 of 4 stars; one submission).

Allele frequency attached by ClinVar (database versions not stated): ESP Exome Variant Server 0.00008; gnomAD 0.00011; TOPMed 0.00011; ExAC 0.00016; gnomAD exomes 0.00018.
gnomAD v4.1: 276 of 1,613,994 alleles (0.017%); highest among the groups gnomAD compares: Non-Finnish European, 0.022%; no homozygotes.

Submission:

CeGaT Center for Human Genetics Tuebingen
Classification: Likely benign. Last evaluated: 2024-06-01. Review status: criteria provided, single submitter. Criteria: CeGaT Center For Human Genetics Tuebingen Variant Classification Criteria Version 2. Collection method: clinical testing. Allele origin: germline. Affected: yes. Observed: 1 variant allele.
Comment: VPS16: BP4, BP7